The following is an entry in ClinVar:

NM_006312.6(NCOR2):c.1496AGC[9] (p.Gln508_Gln510del)

Gene: NCOR2 (nuclear receptor corepressor 2; minus strand). Cytogenetic location: 12q24.31.
Variant type: Microsatellite.
Coding change: c.1496AGC[9] on transcript NM_006312.6 (MANE Select); nine copies in a row of the 3-base unit AGC starting at c.1496; the reference has 12 copies in a row; three copies, 9 bases deleted.
Protein change: p.Gln508_Gln510del.
Genome position (GRCh38, 1-based): chr12:124,402,513-124,402,521, GCTGCTGCT deleted on the plus strand (AGCAGCAGC on the coding strand, the reverse complement: NCOR2 is on the minus strand); deleting any 9 consecutive bases within chr12:124,402,513-124,402,549 gives the same sequence; the position shown is the placement nearest the transcript's 3' end. VCF-style (leftmost placement, unchanged base first): chr12-124402512-GGCTGCTGCT-G. GRCh37 (hg19) VCF-style: chr12-124887058-GGCTGCTGCT-G.
Other names: c.1493AGC[9], p.Gln507_Gln509del (NM_001077261.4, NM_001206654.2).
Identifiers: ClinVar variation 3059003 (VCV003059003.2), dbSNP rs35831183, ClinGen allele CA6869463.
Genomic context (GRCh38, chr12:124,402,512, plus strand): 5'-TTCTCCGCCTCCTTTTCCTTCTCCTTCTCATCTTTCTCCTCCTGGCTGCTGCGGGGCATG[GGCTGCTGCT>G]GCTGCTGCTGCTGCTGCTGCTGCTGCTGTTGTTGCTGCTGCTGTCAGACCCCGGGGGAGG-3'

ClinVar aggregate classification (germline): Benign (0 of 4 stars; one submission).

Conditions:
NCOR2-related disorder. Also called: NCOR2-related condition.

Submission:

PreventionGenetics, part of Exact Sciences
Classification: Benign for NCOR2-related condition. Last evaluated: 2019-09-19. Review status: no assertion criteria provided. Collection method: clinical testing. Allele origin: germline.
Comment: This variant is classified as benign based on ACMG/AMP sequence variant interpretation guidelines (Richards et al. 2015 PMID: 25741868, with internal and published modifications).